The following is an entry in ClinVar:

NM_017999.5(RNF31):c.2888C>A (p.Ala963Glu)

Gene: RNF31 (ring finger protein 31; plus strand). Cytogenetic location: 14q12.
Variant type: single nucleotide variant.
Coding change: c.2888C>A on transcript NM_017999.5 (MANE Select); coding-DNA position 2888, C replaced by A.
Protein change: p.Ala963Glu; replaces alanine 963 with glutamic acid.
Molecular consequence: missense variant.
Genome position (GRCh38, 1-based): chr14:24,158,188, C>A. VCF-style: chr14-24158188-C-A. GRCh37 (hg19) VCF-style: chr14-24627397-C-A.
Other names: c.2435C>A, p.Ala812Glu (NM_001310332.2); short protein forms A963E, A812E.
Identifiers: ClinVar variation 4767101 (VCV004767101.1).
Genomic context (GRCh38, chr14:24,158,188, plus strand): 5'-TCTCTCCTCCTCAGGACAATAACGTCATGTTTAATACAGAGCCTCCAGCTGGGGCCCGGG[C>A]AGTCCCTGGAGGTGAGTGTTAGGACAAGCCTTTGAGAAGAGGAGATGGTGTGCTGGGCTC-3'
Protein context (NP_060469.4, residues 953-973): FNTEPPAGAR[Ala963Glu]VPGGGCRVIE

ClinVar aggregate classification (germline): Uncertain significance (1 of 4 stars; one submission).

Submission:

Labcorp Genetics (formerly Invitae), Labcorp
Classification: Uncertain significance. Last evaluated: 2025-02-06. Review status: criteria provided, single submitter. Criteria: Invitae Variant Classification Sherloc (09022015). Collection method: clinical testing. Allele origin: germline.
Comment: This sequence change replaces alanine, which is neutral and non-polar, with glutamic acid, which is acidic and polar, at codon 963 of the RNF31 protein (p.Ala963Glu). This variant is not present in population databases (gnomAD no frequency). This variant has not been reported in the literature in individuals affected with RNF31-related conditions. An algorithm developed to predict the effect of missense changes on protein structure and function (PolyPhen-2) suggests that this variant is likely to be tolerated. In summary, the available evidence is currently insufficient to determine the role of this variant in disease. Therefore, it has been classified as a Variant of Uncertain Significance.